The following is an entry in ClinVar:

NM_001206744.2(TPO):c.2266T>C (p.Cys756Arg)

Genes: LALTOP (lung cancer associated lncRNA targeting TOP2A; minus strand), TPO (thyroid peroxidase; plus strand). Cytogenetic location: 2p25.3.
Variant type: single nucleotide variant.
Coding change: c.2266T>C on transcript NM_001206744.2 (MANE Select); coding-DNA position 2266, T replaced by C.
Protein change: p.Cys756Arg; replaces cysteine 756 with arginine.
Molecular consequence: missense variant.
Genome position (GRCh38, 1-based): chr2:1,496,645, T>C. VCF-style: chr2-1496645-T-C. GRCh37 (hg19) VCF-style: chr2-1500417-T-C.
Other names: c.1747T>C, p.Cys583Arg (NM_175722.3); c.2266T>C, p.Cys756Arg (NM_000547.6, NM_175721.3); c.2095T>C, p.Cys699Arg (NM_001206745.2, NM_175719.4); short protein forms C699R, C756R, C583R.
Identifiers: ClinVar variation 2734132 (VCV002734132.3), dbSNP rs770731462, ClinGen allele CA345698978.

ClinVar aggregate classification (germline): Pathogenic (1 of 4 stars; one submission).

Submission:

Labcorp Genetics (formerly Invitae), Labcorp
Classification: Pathogenic. Last evaluated: 2023-07-19. Review status: criteria provided, single submitter. Criteria: Invitae Variant Classification Sherloc (09022015). Collection method: clinical testing. Allele origin: germline.
Comment: This sequence change replaces cysteine, which is neutral and slightly polar, with arginine, which is basic and polar, at codon 756 of the TPO protein (p.Cys756Arg). This variant is not present in population databases (gnomAD no frequency). This missense change has been observed in individual(s) with autosomal recessive thryoid dyshormonogenesis (PMID: 23512414, 26174974). In at least one individual the data is consistent with being in trans (on the opposite chromosome) from a pathogenic variant. An algorithm developed to predict the effect of missense changes on protein structure and function (PolyPhen-2) suggests that this variant is likely to be disruptive. For these reasons, this variant has been classified as Pathogenic.

Literature cited by the submitters: PubMed 23512414; PubMed 26174974.